The following is an entry in ClinVar:

NM_000256.3(MYBPC3):c.3544A>C (p.Ser1182Arg)

Gene: MYBPC3 (myosin binding protein C3; minus strand). Cytogenetic location: 11p11.2.
Variant type: single nucleotide variant.
Coding change: c.3544A>C on transcript NM_000256.3 (MANE Select); coding-DNA position 3544, A replaced by C.
Protein change: p.Ser1182Arg; replaces serine 1182 with arginine.
Molecular consequence: missense variant.
Genome position (GRCh38, 1-based): chr11:47,332,649, T>G on the plus strand (A>C on the coding strand, the complement: MYBPC3 is on the minus strand). VCF-style: chr11-47332649-T-G. GRCh37 (hg19) VCF-style: chr11-47354200-T-G.
Other names: short protein forms S1182R.
Identifiers: ClinVar variation 2773701 (VCV002773701.5), dbSNP rs1341188493, ClinGen allele CA380312637.
Genomic context (GRCh38, chr11:47,332,649, plus strand): 5'-AGCAGAGCATAGCAGTGTAGCCCGCGATGACCGAGCGGTTCACCAGGGGCTGGGTGAAGC[T>G]TGGGGCCTCGGAGAAGTCCAGGGCCTTATAGTTGGGTGGCTCATAGGTGATGCCTGTTGG-3'
Protein context (NP_000247.2, residues 1172-1192): YKALDFSEAP[Ser1182Arg]FTQPLVNRSV

ClinVar aggregate classification (germline): Uncertain significance. Review status: criteria provided, multiple submitters, no conflicts (2 of 4 stars). 3 submissions from 3 submitters: Uncertain significance (3). Last evaluated 2025-02-27.

Conditions:
Hypertrophic cardiomyopathy 4. Also called: Familial hypertrophic cardiomyopathy 4. Identifiers: MedGen C1861862, MONDO:0007268, OMIM 115197.
Cardiomyopathy (CMYO). Also called: Cardiomyopathies. Identifiers: Orphanet 167848, MedGen C0878544, MONDO:0004994, HP:0001638. Inheritance: Various modes of inheritance.
Hypertrophic cardiomyopathy. Also called: HYPERTROPHIC MYOCARDIOPATHY. Identifiers: Orphanet 217569, MedGen C0007194, MeSH D002312, MONDO:0005045, HP:0001639.

Allele frequency attached by ClinVar (database versions not stated): TOPMed 0.00001.

Submissions (3):

Victorian Clinical Genetics Services, Murdoch Childrens Research Institute
Classification: Uncertain significance for Hypertrophic cardiomyopathy 4. Last evaluated: 2025-02-27. Review status: criteria provided, single submitter. Criteria: ACMG Guidelines, 2015. Collection method: clinical testing. Allele origin: germline. Affected: yes.
Comment: This variant is classified as VUS-3C. Evidence in support of pathogenic classification: Variant is absent from gnomAD (v2, v3 and v4). Evidence in support of benign classification: Same amino acid change has been observed in placental mammals. Additional information: Variant is predicted to result in a missense amino acid change from serine to arginine; This variant is heterozygous; This gene is associated with both recessive and dominant disease. Dominant inheritance is frequently reported in adult onset conditions and recessive inheritance results in a more severe early onset phenotype (OMIM); Alternative amino acid change(s) at the same position are present in gnomAD (Highest allele count: v4: 1 heterozygote(s), 0 homozygote(s)); Previous evidence of pathogenicity for this variant is inconclusive. This variant has been classified as a VUS by diagnostic laboratories in ClinVar; No published functional evidence has been identified for this variant; Other missense variant(s) comparable to the one identified in this case have inconclusive previous evidence for pathogenicity. p.(Ser1182Thr) and p.(Ser1182Gly) have been classified as a VUS by diagnostic laboratories in ClinVar. - Variant is located in the annotated immunoglobulin I-set domain (DECIPHER); Loss of function is a known mechanism of disease in this gene and is associated with hypertrophic cardiomyopathy 4 (HCM; MIM#115197); Variants in this gene are known to have variable expressivity (PMID: 32841044); Inheritance information for this variant is not currently available in this individual.

All of Us Research Program, National Institutes of Health
Classification: Uncertain significance for Hypertrophic cardiomyopathy. Last evaluated: 2024-07-29. Review status: criteria provided, single submitter. Criteria: ACMG Guidelines, 2015. Collection method: clinical testing. Allele origin: germline. Inheritance: Autosomal dominant inheritance. Observed: 1 variant allele, 1 heterozygote.
Comment: This missense variant replaces serine with arginine at codon 1182 of the MYBPC3 protein. Computational prediction suggests that this variant may not impact protein structure and function (internally defined REVEL score threshold <= 0.5, PMID: 27666373). To our knowledge, functional studies have not been reported for this variant. This variant has been reported in a family affected with hypertrophic cardiomyopathy (PMID: 30669812). This variant has not been identified in the general population by the Genome Aggregation Database (gnomAD). The available evidence is insufficient to determine the role of this variant in disease conclusively. Therefore, this variant is classified as a Variant of Uncertain Significance.

This study involves interpretation of variants in research participants for the purpose of population health screening. Participant phenotype was not available at the time of variant classification. Additional details can be found in publication PMID: 35346344, PMCID: PMC8962531

Color Diagnostics, LLC DBA Color Health
Classification: Uncertain significance for Cardiomyopathy. Last evaluated: 2024-07-18. Review status: criteria provided, single submitter. Criteria: ACMG Guidelines, 2015. Collection method: clinical testing. Allele origin: germline.
Comment: This missense variant replaces serine with arginine at codon 1182 of the MYBPC3 protein. Computational prediction tools indicate that this variant has a neutral impact on protein structure and function. To our knowledge, functional studies have not been reported for this variant. This variant has been reported in a family affected with hypertrophic cardiomyopathy (PMID: 30669812). This variant has not been identified in the general population by the Genome Aggregation Database (gnomAD). The available evidence is insufficient to determine the role of this variant in disease conclusively. Therefore, this variant is classified as a Variant of Uncertain Significance.

Literature cited by the submitters: PubMed 32841044 (cited by Victorian Clinical Genetics Services, Murdoch Childrens Research Institute); PubMed 30669812 (cited by All of Us Research Program, National Institutes of Health and Color Diagnostics, LLC DBA Color Health).